The following is an entry in ClinVar:

ClinVar aggregate classification (germline): Uncertain significance. Review status: criteria provided, multiple submitters, no conflicts (2 of 4 stars). 2 submissions from 2 submitters: Uncertain significance (2). Last evaluated 2024-03-01.

Conditions:
Hereditary cancer-predisposing syndrome. Also called: Neoplastic Syndromes, Hereditary; Tumor predisposition; Hereditary Cancer Syndrome; Hereditary neoplastic syndrome. Identifiers: Orphanet 140162, MedGen C0027672, MeSH D009386, MONDO:0015356.
Pheochromocytoma/paraganglioma syndrome 3. Also called: GLOMUS TUMORS, FAMILIAL, 3; Paragangliomas 3; SDHC-Related Hereditary Paraganglioma-Pheochromocytoma Syndrome (Paragangliomas 3); SDHC-Related Hereditary Paraganglioma-Pheochromocytoma Syndrome. Identifiers: Orphanet 29072, MedGen C1854336, MONDO:0011544, OMIM 605373.
Gastrointestinal stromal tumor. Also called: Gastrointestinal stromal tumor, somatic; Gastrointestinal stroma tumor. Identifiers: Orphanet 44890, MedGen C0238198, MeSH D046152, MONDO:0011719, OMIM 606764, HP:0100723.

Submissions (2):

Labcorp Genetics (formerly Invitae), Labcorp
Classification: Uncertain significance for Pheochromocytoma/paraganglioma syndrome 3; Gastrointestinal stromal tumor. Last evaluated: 2024-03-01. Review status: criteria provided, single submitter. Criteria: Invitae Variant Classification Sherloc (09022015). Collection method: clinical testing. Allele origin: germline.
Comment: This sequence change replaces methionine, which is neutral and non-polar, with threonine, which is neutral and polar, at codon 169 of the SDHC protein (p.Met169Thr). This variant is not present in population databases (gnomAD no frequency). This variant has not been reported in the literature in individuals affected with SDHC-related conditions. ClinVar contains an entry for this variant (Variation ID: 1745152). An algorithm developed to predict the effect of missense changes on protein structure and function (PolyPhen-2) suggests that this variant is likely to be tolerated. In summary, the available evidence is currently insufficient to determine the role of this variant in disease. Therefore, it has been classified as a Variant of Uncertain Significance.

Ambry Genetics
Classification: Uncertain significance for Hereditary cancer-predisposing syndrome. Last evaluated: 2022-04-06. Review status: criteria provided, single submitter. Criteria: Ambry Variant Classification Scheme 2023. Collection method: clinical testing. Allele origin: germline.
Comment: The p.M169T variant (also known as c.506T>C), located in coding exon 6 of the SDHC gene, results from a T to C substitution at nucleotide position 506. The methionine at codon 169 is replaced by threonine, an amino acid with similar properties. This amino acid position is conserved. In addition, this alteration is predicted to be deleterious by in silico analysis. Since supporting evidence is limited at this time, the clinical significance of this alteration remains unclear.

NM_003001.5(SDHC):c.506T>C (p.Met169Thr)

Gene: SDHC (succinate dehydrogenase complex subunit C; plus strand). Cytogenetic location: 1q23.3.
Variant type: single nucleotide variant.
Coding change: c.506T>C on transcript NM_003001.5 (MANE Select); coding-DNA position 506, T replaced by C.
Protein change: p.Met169Thr; replaces methionine 169 with threonine.
Molecular consequence: missense variant. On other transcripts: synonymous variant (3), non-coding transcript variant (1).
Genome position (GRCh38, 1-based): chr1:161,362,429, T>C. VCF-style: chr1-161362429-T-C. GRCh37 (hg19) VCF-style: chr1-161332219-T-C.
Other names: c.342T>C, p.His114= (NM_001035511.3); c.404T>C, p.Met135Thr (NM_001035512.3); c.347T>C, p.Met116Thr (NM_001035513.3); c.240T>C, p.His80= (NM_001278172.3); c.626T>C, p.Met209Thr (NM_001407115.1); c.449T>C, p.Met150Thr (NM_001407116.1); c.443T>C, p.Met148Thr (NM_001407117.1); c.398T>C, p.Met133Thr (NM_001407118.1); and 2 more; short protein forms M133T, M169T, M116T, M135T, M148T, M150T, M209T, M132T.
Identifiers: ClinVar variation 1745152 (VCV001745152.4), dbSNP rs2526573959, ClinGen allele CA343458003.